The following is an entry in ClinVar:

ClinVar aggregate classification (germline): Uncertain significance (1 of 4 stars; one submission).

Conditions:
Propionic acidemia (PROP). Also called: GLYCINEMIA, KETOTIC; HYPERGLYCINEMIA WITH KETOACIDOSIS AND LEUKOPENIA; KETOTIC HYPERGLYCINEMIA. Identifiers: Orphanet 35, MedGen C0268579, MONDO:0011628, OMIM 606054, HP:0003571.

Allele frequency attached by ClinVar (database versions not stated): gnomAD exomes below 0.00001.
gnomAD v4.1: 2 of 1,612,764 alleles (0.00012%); highest among the groups gnomAD compares: Non-Finnish European, 0.00017%; no homozygotes.

Submission:

Labcorp Genetics (formerly Invitae), Labcorp
Classification: Uncertain significance for Propionic acidemia. Last evaluated: 2022-07-01. Review status: criteria provided, single submitter. Criteria: Invitae Variant Classification Sherloc (09022015). Collection method: clinical testing. Allele origin: germline.
Comment: This variant is not present in population databases (gnomAD no frequency). This sequence change replaces valine, which is neutral and non-polar, with glutamic acid, which is acidic and polar, at codon 339 of the PCCA protein (p.Val339Glu). This variant has not been reported in the literature in individuals affected with PCCA-related conditions. Advanced modeling of protein sequence and biophysical properties (such as structural, functional, and spatial information, amino acid conservation, physicochemical variation, residue mobility, and thermodynamic stability) performed at Invitae indicates that this missense variant is expected to disrupt PCCA protein function. In summary, the available evidence is currently insufficient to determine the role of this variant in disease. Therefore, it has been classified as a Variant of Uncertain Significance.

NM_000282.4(PCCA):c.1016T>A (p.Val339Glu)

Gene: PCCA (propionyl-CoA carboxylase subunit alpha; plus strand). Cytogenetic location: 13q32.3.
Variant type: single nucleotide variant.
Coding change: c.1016T>A on transcript NM_000282.4 (MANE Select); coding-DNA position 1016, T replaced by A.
Protein change: p.Val339Glu; replaces valine 339 with glutamic acid.
Molecular consequence: missense variant. On other transcripts: non-coding transcript variant (5).
Genome position (GRCh38, 1-based): chr13:100,273,297, T>A. VCF-style: chr13-100273297-T-A. GRCh37 (hg19) VCF-style: chr13-100925551-T-A.
Other names: c.938T>A, p.Val313Glu (NM_001127692.3, NM_001352607.2, NM_001352608.2); c.1016T>A, p.Val339Glu (NM_001178004.2, NM_001352605.2, NM_001352606.2 and 1 more transcripts); c.71T>A, p.Val24Glu (NM_001352610.2, NM_001352611.2, NM_001352612.2); short protein forms V313E, V339E, V24E.
Identifiers: ClinVar variation 2012967 (VCV002012967.4), dbSNP rs2547977746, ClinGen allele CA388694879.